The following is an entry in ClinVar:

NM_000059.4(BRCA2):c.2933A>C (p.Asn978Thr)

Gene: BRCA2 (BRCA2 DNA repair associated; plus strand). Cytogenetic location: 13q13.1.
Variant type: single nucleotide variant.
Coding change: c.2933A>C on transcript NM_000059.4 (MANE Select); coding-DNA position 2933, A replaced by C.
Protein change: p.Asn978Thr; replaces asparagine 978 with threonine.
Molecular consequence: missense variant.
Genome position (GRCh38, 1-based): chr13:32,337,288, A>C. VCF-style: chr13-32337288-A-C. GRCh37 (hg19) VCF-style: chr13-32911425-A-C.
Other names: c.2933A>C (NM_000059.3); short protein forms N978T.
Identifiers: ClinVar variation 1469757 (VCV001469757.10), dbSNP rs775890004, ClinGen allele CA387774255.

ClinVar aggregate classification (germline): Conflicting classifications of pathogenicity. Review status: criteria provided, conflicting classifications (1 of 4 stars). 3 submissions from 3 submitters: Uncertain significance (2); Likely benign (1). Last evaluated 2024-04-03.

Conditions:
Hereditary cancer-predisposing syndrome. Also called: Tumor predisposition; Hereditary Cancer Syndrome; Hereditary neoplastic syndrome; Neoplastic Syndromes, Hereditary. Identifiers: Orphanet 140162, MedGen C0027672, MeSH D009386, MONDO:0015356.
Hereditary breast ovarian cancer syndrome. Also called: BRCA1- and BRCA2-Associated Hereditary Breast and Ovarian Cancer; Hereditary breast and ovarian cancer; Hereditary breast and ovarian cancer syndrome; Hereditary breast and ovarian cancer syndrome (HBOC); Breast and ovarian cancer; Hereditary breast and/or ovarian cancer syndrome. Identifiers: Orphanet 145, MedGen C0677776, MeSH D061325, MONDO:0003582. Disease mechanism: loss of function.

Submissions (3):

Labcorp Genetics (formerly Invitae), Labcorp
Classification: Uncertain significance for Hereditary breast ovarian cancer syndrome. Last evaluated: 2024-04-03. Review status: criteria provided, single submitter. Criteria: Invitae Variant Classification Sherloc (09022015). Collection method: clinical testing. Allele origin: germline.
Comment: This sequence change replaces asparagine, which is neutral and polar, with threonine, which is neutral and polar, at codon 978 of the BRCA2 protein (p.Asn978Thr). This variant is not present in population databases (gnomAD no frequency). This variant has not been reported in the literature in individuals affected with BRCA2-related conditions. ClinVar contains an entry for this variant (Variation ID: 1469757). Advanced modeling of protein sequence and biophysical properties (such as structural, functional, and spatial information, amino acid conservation, physicochemical variation, residue mobility, and thermodynamic stability) performed at Invitae indicates that this missense variant is not expected to disrupt BRCA2 protein function with a negative predictive value of 95%. In summary, the available evidence is currently insufficient to determine the role of this variant in disease. Therefore, it has been classified as a Variant of Uncertain Significance.

Ambry Genetics
Classification: Uncertain significance for Hereditary cancer-predisposing syndrome. Last evaluated: 2024-03-28. Review status: criteria provided, single submitter. Criteria: Ambry Variant Classification Scheme 2023. Collection method: clinical testing. Allele origin: germline.
Comment: The p.N978T variant (also known as c.2933A>C), located in coding exon 10 of the BRCA2 gene, results from an A to C substitution at nucleotide position 2933. The asparagine at codon 978 is replaced by threonine, an amino acid with similar properties. This amino acid position is conserved. In addition, this alteration is predicted to be tolerated by in silico analysis. Based on the available evidence, the clinical significance of this alteration remains unclear.

University of Washington Department of Laboratory Medicine, University of Washington
Classification: Likely benign for Hereditary cancer-predisposing syndrome. Last evaluated: 2023-03-23. Review status: criteria provided, single submitter. Criteria: Dines et al. (Genet Med. 2020). Collection method: curation. Allele origin: germline.
Comment: Missense variant in a coldspot region where missense variants are very unlikely to be pathogenic (PMID:31911673).

BRCA2 exon 11 coldspot. Reclassification based on statistical prior probability.